The following is an entry in ClinVar:

NM_006393.3(NEBL):c.369+1G>A

Gene: NEBL (nebulette; minus strand). Cytogenetic location: 10p12.31.
Variant type: single nucleotide variant.
Coding change: c.369+1G>A on transcript NM_006393.3 (MANE Select); the canonical splice donor site of the intron after coding-DNA position 369, G replaced by A.
Molecular consequence: splice donor variant. On other transcripts: intron variant (9).
Genome position (GRCh38, 1-based): chr10:20,888,096, C>T on the plus strand (G>A on the coding strand, the complement: NEBL is on the minus strand). VCF-style: chr10-20888096-C-T. GRCh37 (hg19) VCF-style: chr10-21177025-C-T.
Other names: c.249+73576G>A (NM_001377326.1, NM_001377327.1, NM_001377328.1); c.357+73576G>A (NM_213569.2, NM_001173484.2, NM_001377322.1); c.300+73576G>A (NM_001377324.1); c.291+73576G>A (NM_001377325.1); c.309+73576G>A (NM_001377323.1).
Identifiers: ClinVar variation 3004879 (VCV003004879.3), dbSNP rs368105518, ClinGen allele CA5433279.

ClinVar aggregate classification (germline): Uncertain significance (1 of 4 stars; one submission).

Conditions:
Primary dilated cardiomyopathy (DCM). Also called: Dilated Cardiomyopathy. Identifiers: Orphanet 217604, MedGen C0007193, MeSH D002311, MONDO:0005021, HP:0001644. Inheritance: Various modes of inheritance.

Allele frequency attached by ClinVar (database versions not stated): gnomAD exomes below 0.00001; ExAC 0.00001; TOPMed 0.00001; gnomAD 0.00005; ESP Exome Variant Server 0.00008.
gnomAD v4.1: 11 of 1,591,624 alleles (0.00069%); highest among the groups gnomAD compares: East Asian, 0.0022%; no homozygotes.

Submission:

Labcorp Genetics (formerly Invitae), Labcorp
Classification: Uncertain significance for Primary dilated cardiomyopathy. Last evaluated: 2023-10-05. Review status: criteria provided, single submitter. Criteria: Invitae Variant Classification Sherloc (09022015). Collection method: clinical testing. Allele origin: germline.
Comment: This sequence change affects a donor splice site in intron 4 of the NEBL gene. It is expected to disrupt RNA splicing. Variants that disrupt the donor or acceptor splice site typically lead to a loss of protein function (PMID: 16199547), however the current clinical and genetic evidence is not sufficient to establish whether loss-of-function variants in NEBL cause disease. This variant is present in population databases (rs368105518, gnomAD 0.06%). This variant has not been reported in the literature in individuals affected with NEBL-related conditions. Algorithms developed to predict the effect of sequence changes on RNA splicing suggest that this variant may disrupt the consensus splice site. In summary, the available evidence is currently insufficient to determine the role of this variant in disease. Therefore, it has been classified as a Variant of Uncertain Significance.

Literature cited by the submitters: PubMed 16199547.